The following is an entry in ClinVar:

ClinVar aggregate classification (germline): Uncertain significance (1 of 4 stars; one submission).

Submission:

Labcorp Genetics (formerly Invitae), Labcorp
Classification: Uncertain significance. Last evaluated: 2021-07-21. Review status: criteria provided, single submitter. Criteria: Invitae Variant Classification Sherloc (09022015). Collection method: clinical testing. Allele origin: germline.
Comment: This variant is not present in population databases (ExAC no frequency). This sequence change replaces histidine with arginine at codon 1630 of the HTT protein (p.His1630Arg). The histidine residue is moderately conserved and there is a small physicochemical difference between histidine and arginine. This variant has not been reported in the literature in individuals with HTT-related conditions. In summary, the available evidence is currently insufficient to determine the role of this variant in disease. Therefore, it has been classified as a Variant of Uncertain Significance. Experimental studies and prediction algorithms are not available or were not evaluated, and the functional significance of this variant is currently unknown.

NM_001388492.1(HTT):c.4883A>G (p.His1628Arg)

Gene: HTT (huntingtin; plus strand). Cytogenetic location: 4p16.3.
Variant type: single nucleotide variant.
Coding change: c.4883A>G on transcript NM_001388492.1 (MANE Select); coding-DNA position 4883, A replaced by G.
Protein change: p.His1628Arg; replaces histidine 1628 with arginine.
Molecular consequence: missense variant.
Genome position (GRCh38, 1-based): chr4:3,186,613, A>G. VCF-style: chr4-3186613-A-G. GRCh37 (hg19) VCF-style: chr4-3188340-A-G.
Other names: c.4889A>G, p.His1630Arg (NM_002111.8); short protein forms H1628R, H1630R.
Identifiers: ClinVar variation 1462137 (VCV001462137.6), dbSNP rs1560584841, ClinGen allele CA356071401.